The following is an entry in ClinVar:

NM_004958.4(MTOR):c.2988G>C (p.Thr996=)

Gene: MTOR (mechanistic target of rapamycin kinase; minus strand). Cytogenetic location: 1p36.22.
Variant type: single nucleotide variant.
Coding change: c.2988G>C on transcript NM_004958.4 (MANE Select); coding-DNA position 2988, G replaced by C.
Protein change: p.Thr996=; no amino-acid change (threonine 996 retained).
Molecular consequence: synonymous variant.
Genome position (GRCh38, 1-based): chr1:11,228,710, C>G on the plus strand (G>C on the coding strand, the complement: MTOR is on the minus strand). VCF-style: chr1-11228710-C-G. GRCh37 (hg19) VCF-style: chr1-11288767-C-G.
Identifiers: ClinVar variation 712777 (VCV000712777.34), dbSNP rs200775211, ClinGen allele CA590344.
Genomic context (GRCh38, chr1:11,228,710, plus strand): 5'-GGGGTTTGAGGTACTTACTTCCCGGATGGCCCCATCACAGACTCGAATGACGTTAAGGAA[C>G]GTGGGCATGACCTGGGGCAGGAACTGCACACATTTGAGTCCCAGGGACTTGAAGATGAAG-3'
Protein context (NP_004949.1, residues 986-1006): CVQFLPQVMP[Thr996=]FLNVIRVCDG

ClinVar aggregate classification (germline): Benign. Review status: criteria provided, multiple submitters, no conflicts (2 of 4 stars). 2 submissions from 2 submitters: Benign (2). Last evaluated 2025-08-03.

gnomAD v4.1: 138 of 1,613,984 alleles (0.0086%); highest among the groups gnomAD compares: South Asian, 0.15%; 3 homozygotes.

Submissions (2):

Labcorp Genetics (formerly Invitae), Labcorp
Classification: Benign. Last evaluated: 2025-08-03. Review status: criteria provided, single submitter. Criteria: Invitae Variant Classification Sherloc (09022015). Collection method: clinical testing. Allele origin: germline.

CeGaT Center for Human Genetics Tuebingen
Classification: Benign. Last evaluated: 2022-06-01. Review status: criteria provided, single submitter. Criteria: CeGaT Center For Human Genetics Tuebingen Variant Classification Criteria Version 2. Collection method: clinical testing. Allele origin: germline. Affected: yes. Observed: 1 variant allele.
Comment: MTOR: BS1, BS2